The following is an entry in ClinVar:

NM_000083.3(CLCN1):c.1616C>T (p.Thr539Ile)

Gene: CLCN1 (chloride voltage-gated channel 1; plus strand). Cytogenetic location: 7q34.
Variant type: single nucleotide variant.
Coding change: c.1616C>T on transcript NM_000083.3 (MANE Select); coding-DNA position 1616, C replaced by T.
Protein change: p.Thr539Ile; replaces threonine 539 with isoleucine.
Molecular consequence: missense variant. On other transcripts: non-coding transcript variant (1).
Genome position (GRCh38, 1-based): chr7:143,341,962, C>T. VCF-style: chr7-143341962-C-T. GRCh37 (hg19) VCF-style: chr7-143039055-C-T.
Other names: short protein forms T539I.
Identifiers: ClinVar variation 3359392 (VCV003359392.1).

ClinVar aggregate classification (germline): Uncertain significance (1 of 4 stars; one submission).

gnomAD v4.1: 1 of 1,614,052 alleles (0.000062%); highest among the groups gnomAD compares: Non-Finnish European, 0.000085%; no homozygotes.

Submission:

GeneDx
Classification: Uncertain significance. Last evaluated: 2023-06-02. Review status: criteria provided, single submitter. Criteria: GeneDx Variant Classification Process June 2021. Collection method: clinical testing. Allele origin: germline. Affected: yes.
Comment: Not observed at significant frequency in large population cohorts (gnomAD); In silico analysis supports that this missense variant has a deleterious effect on protein structure/function; Has not been previously published as pathogenic or benign to our knowledge